The following is an entry in ClinVar:

NM_006005.3(WFS1):c.1129C>G (p.Leu377Val)

Gene: WFS1 (wolframin ER transmembrane glycoprotein; plus strand). Cytogenetic location: 4p16.1.
Variant type: single nucleotide variant.
Coding change: c.1129C>G on transcript NM_006005.3 (MANE Select); coding-DNA position 1129, C replaced by G.
Protein change: p.Leu377Val; replaces leucine 377 with valine.
Molecular consequence: missense variant.
Genome position (GRCh38, 1-based): chr4:6,300,924, C>G. VCF-style: chr4-6300924-C-G. GRCh37 (hg19) VCF-style: chr4-6302651-C-G.
Other names: c.1129C>G, p.Leu377Val (NM_001145853.1); short protein forms L377V.
Identifiers: ClinVar variation 2195963 (VCV002195963.9), dbSNP rs746165094, ClinGen allele CA2839228.

ClinVar aggregate classification (germline): Uncertain significance. Review status: criteria provided, multiple submitters, no conflicts (2 of 4 stars). 4 submissions from 4 submitters: Uncertain significance (4). Last evaluated 2026-09-25.

Conditions:
Inborn genetic diseases. Identifiers: MedGen C0950123, MeSH D030342.
WFS1-related disorder. Identifiers: MedGen CN379391, MONDO:0700293.

Allele frequency attached by ClinVar (database versions not stated): ExAC 0.00001; gnomAD 0.00001; gnomAD exomes 0.00001; TOPMed 0.00001.

Submissions (4):

GeneDx
Classification: Uncertain significance. Last evaluated: 2026-09-25. Review status: criteria provided, single submitter. Criteria: GeneDx Variant Classification Process June 2021. Collection method: clinical testing. Allele origin: germline.
Comment: Not observed at significant frequency in large population cohorts (gnomAD); In silico analysis suggests that this missense variant does not alter protein structure/function; Has not been previously published as pathogenic or benign to our knowledge

PreventionGenetics, part of Exact Sciences
Classification: Uncertain significance for WFS1-related condition. Last evaluated: 2026-08-20. Review status: criteria provided, single submitter. Criteria: ACMG Guidelines, 2015. Collection method: clinical testing. Allele origin: germline.
Comment: The WFS1 c.1129C>G variant is predicted to result in the amino acid substitution p.Leu377Val. To our knowledge, this variant has not been reported in the literature. This variant is reported in 0.0018% of alleles in individuals of European (Non-Finnish) descent in gnomAD. At this time, the clinical significance of this variant is uncertain due to the absence of conclusive functional and genetic evidence.

Ambry Genetics
Classification: Uncertain significance for Inborn genetic diseases. Last evaluated: 2025-10-15. Review status: criteria provided, single submitter. Criteria: Ambry Variant Classification Scheme 2023. Collection method: clinical testing. Allele origin: germline.

Labcorp Genetics (formerly Invitae), Labcorp
Classification: Uncertain significance. Last evaluated: 2025-04-26. Review status: criteria provided, single submitter. Criteria: Invitae Variant Classification Sherloc (09022015). Collection method: clinical testing. Allele origin: germline.
Comment: This sequence change replaces leucine, which is neutral and non-polar, with valine, which is neutral and non-polar, at codon 377 of the WFS1 protein (p.Leu377Val). This variant is present in population databases (rs746165094, gnomAD 0.002%). This variant has not been reported in the literature in individuals affected with WFS1-related conditions. ClinVar contains an entry for this variant (Variation ID: 2195963). Invitae Evidence Modeling of protein sequence and biophysical properties (such as structural, functional, and spatial information, amino acid conservation, physicochemical variation, residue mobility, and thermodynamic stability) indicates that this missense variant is not expected to disrupt WFS1 protein function with a negative predictive value of 95%. In summary, the available evidence is currently insufficient to determine the role of this variant in disease. Therefore, it has been classified as a Variant of Uncertain Significance.